The following is an entry in ClinVar:

ClinVar aggregate classification (germline): Uncertain significance (1 of 4 stars; one submission).

gnomAD v4.1: 1 of 1,592,082 alleles (0.000063%); highest among the groups gnomAD compares: South Asian, 0.0011%; no homozygotes.

Submission:

Dasa
Classification: Uncertain significance. Last evaluated: 2026-05-22. Review status: criteria provided, single submitter. Criteria: DASA Assertion Criteria. Collection method: clinical testing. Allele origin: germline.
Comment: NM_000719.7(CACNA1C):c.98A>T (p.Asn33Ile) is a missense variant that results in the substitution of asparagine with isoleucine. This variant is rare in population databases. The currently available literature and clinical evidence are not sufficient to establish a definitive association between this variant and the reported condition. Therefore, this variant is classified as a variant of uncertain significance.

NM_000719.7(CACNA1C):c.98A>T (p.Asn33Ile)

Gene: CACNA1C (calcium voltage-gated channel subunit alpha1 C; plus strand). Cytogenetic location: 12p13.33.
Variant type: single nucleotide variant.
Coding change: c.98A>T on transcript NM_000719.7 (MANE Select); coding-DNA position 98, A replaced by T.
Protein change: p.Asn33Ile; replaces asparagine 33 with isoleucine.
Molecular consequence: missense variant.
Genome position (GRCh38, 1-based): chr12:2,115,272, A>T. VCF-style: chr12-2115272-A-T. GRCh37 (hg19) VCF-style: chr12-2224438-A-T.
Other names: c.98A>T, p.Asn33Ile (NM_001129829.2, NM_001129830.3, NM_001129831.2 and 19 more transcripts); short protein forms N33I.
Identifiers: ClinVar variation 5020503 (VCV005020503.1).